The following is an entry in ClinVar:

ClinVar aggregate classification (germline): Conflicting classifications of pathogenicity. Review status: criteria provided, conflicting classifications (1 of 4 stars). 3 submissions from 3 submitters: Uncertain significance (1); Benign (1); Likely benign (1). Last evaluated 2025-05-18.

Conditions:
Landau-Kleffner syndrome (FESD). Also called: EPILEPSY, FOCAL, WITH SPEECH DISORDER AND WITH OR WITHOUT MENTAL RETARDATION; APHASIA, ACQUIRED, WITH EPILEPSY. Identifiers: Orphanet 1945, Orphanet 725, Orphanet 98818, MedGen C0282512, MONDO:0009509, OMIM 245570.

Allele frequency attached by ClinVar (database versions not stated): ExAC 0.00005; TOPMed 0.00014; gnomAD 0.00009 and 0.00010; gnomAD exomes 0.00004; 1000 Genomes Project 30x 0.00016; 1000 Genomes Project 0.00020; ESP Exome Variant Server 0.00031.
gnomAD v4.1: 24 of 1,614,142 alleles (0.0015%); highest among the groups gnomAD compares: African/African-American, 0.028%; no homozygotes.

Submissions (3):

Labcorp Genetics (formerly Invitae), Labcorp
Classification: Benign for Landau-Kleffner syndrome. Last evaluated: 2025-05-18. Review status: criteria provided, single submitter. Criteria: Invitae Variant Classification Sherloc (09022015). Collection method: clinical testing. Allele origin: germline.

GeneDx
Classification: Likely benign. Last evaluated: 2018-03-28. Review status: criteria provided, single submitter. Criteria: GeneDx Variant Classification (06012015). Collection method: clinical testing. Allele origin: germline. Affected: yes.
Comment: This variant is considered likely benign or benign based on one or more of the following criteria: it is a conservative change, it occurs at a poorly conserved position in the protein, it is predicted to be benign by multiple in silico algorithms, and/or has population frequency not consistent with disease.

CeGaT Center for Human Genetics Tuebingen
Classification: Uncertain significance. Last evaluated: 2018-01-01. Review status: criteria provided, single submitter. Criteria: CeGaT Center For Human Genetics Tuebingen Variant Classification Criteria Version 2. Collection method: clinical testing. Allele origin: germline. Affected: yes. Observed: 1 variant allele.

NM_001134407.3(GRIN2A):c.3535T>G (p.Ser1179Ala)

Gene: GRIN2A (glutamate ionotropic receptor NMDA type subunit 2A; minus strand). Cytogenetic location: 16p13.2.
Variant type: single nucleotide variant.
Coding change: c.3535T>G on transcript NM_001134407.3 (MANE Select); coding-DNA position 3535, T replaced by G.
Protein change: p.Ser1179Ala; replaces serine 1179 with alanine.
Molecular consequence: missense variant.
Genome position (GRCh38, 1-based): chr16:9,764,009, A>C on the plus strand (T>G on the coding strand, the complement: GRIN2A is on the minus strand). VCF-style: chr16-9764009-A-C. GRCh37 (hg19) VCF-style: chr16-9857866-A-C.
Other names: c.3535T>G, p.Ser1179Ala (NM_000833.5, NM_001134408.2); short protein forms S1179A.
Identifiers: ClinVar variation 464060 (VCV000464060.55), dbSNP rs142670870, ClinGen allele CA7896295.